The following is an entry in ClinVar:

ClinVar aggregate classification (germline): Likely benign. Review status: criteria provided, single submitter (1 of 4 stars). 2 submissions from 2 submitters: Likely benign (1). 1 of the submissions does not count toward it. Last evaluated 2023-04-01.

Conditions:
NLGN4X-related disorder. Also called: NLGN4X-related condition.

Allele frequency attached by ClinVar (database versions not stated): TOPMed 0.00007; ExAC 0.00010; gnomAD exomes 0.00012.
gnomAD v4.1: 142 of 1,209,409 alleles (0.012%); highest among the groups gnomAD compares: Non-Finnish European, 0.014%; no homozygotes.

Submissions (2):

CeGaT Center for Human Genetics Tuebingen
Classification: Likely benign. Last evaluated: 2023-04-01. Review status: criteria provided, single submitter. Criteria: CeGaT Center For Human Genetics Tuebingen Variant Classification Criteria Version 2. Collection method: clinical testing. Allele origin: germline. Affected: yes. Observed: 2 variant alleles.
Comment: NLGN4X: BP4, BP7, BS2

PreventionGenetics, part of Exact Sciences
Classification: Likely benign for NLGN4X-related condition. Last evaluated: 2020-06-02. Review status: no assertion criteria provided. Collection method: clinical testing. Allele origin: germline. Not counted in ClinVar's aggregate classification.
Comment: This variant is classified as likely benign based on ACMG/AMP sequence variant interpretation guidelines (Richards et al. 2015 PMID: 25741868, with internal and published modifications).

NM_181332.3(NLGN4X):c.2194C>T (p.Leu732=)

Gene: NLGN4X (neuroligin 4 X-linked; minus strand). Cytogenetic location: Xp22.32.
Variant type: single nucleotide variant.
Coding change: c.2194C>T on transcript NM_181332.3 (MANE Select); coding-DNA position 2194, C replaced by T.
Protein change: p.Leu732=; no amino-acid change (leucine 732 retained).
Molecular consequence: synonymous variant.
Genome position (GRCh38, 1-based): chrX:5,893,074, G>A on the plus strand (C>T on the coding strand, the complement: NLGN4X is on the minus strand). VCF-style: chrX-5893074-G-A. GRCh37 (hg19) VCF-style: chrX-5811115-G-A.
Other names: c.2194C>T, p.Leu732= (NM_001282145.2, NM_001282146.2, NM_020742.4); c.2194C>T (NM_020742.3).
Identifiers: ClinVar variation 2659895 (VCV002659895.25), dbSNP rs777508939, ClinGen allele CA10340916.
Genomic context (GRCh38, chrX:5,893,074, plus strand): 5'-GTGTGTCGTGTGCCTGCAGCGACTCACACTCGTGATCGTGTTCCAGCTGCTTCATCTGCA[G>A]AGACATGATCTCTTCGTTCTGGATGTGAGCGATATCATTTGTGGTGTTTCTCTGGGGACT-3'
Protein context (NP_851849.1, residues 722-742): AHIQNEEIMS[Leu732=]QMKQLEHDHE